The following is an entry in ClinVar:

ClinVar aggregate classification (germline): Uncertain significance. Review status: criteria provided, multiple submitters, no conflicts (2 of 4 stars). 3 submissions from 3 submitters: Uncertain significance (3). Last evaluated 2024-03-06.

Conditions:
Familial thoracic aortic aneurysm and aortic dissection (TAAD). Also called: Thoracic aortic aneurysms and dissections. Identifiers: Orphanet 91387, MedGen C4707243, MONDO:0019625.

Allele frequency attached by ClinVar (database versions not stated): gnomAD exomes below 0.00001; TOPMed below 0.00001; gnomAD 0.00001.

Submissions (3):

Color Diagnostics, LLC DBA Color Health
Classification: Uncertain significance for Familial thoracic aortic aneurysm and aortic dissection. Last evaluated: 2024-03-06. Review status: criteria provided, single submitter. Criteria: ACMG Guidelines, 2015. Collection method: clinical testing. Allele origin: germline.
Comment: This missense variant replaces aspartic acid with alanine at codon 517 of the MYH11 protein. Computational prediction suggests that this variant may have deleterious impact on protein structure and function (internally defined REVEL score threshold >= 0.7, PMID: 27666373). To our knowledge, functional studies have not been reported for this variant. This variant has not been reported in individuals affected with MYH11-related disorders in the literature. This variant has been identified in 1/251450 chromosomes in the general population by the Genome Aggregation Database (gnomAD). The available evidence is insufficient to determine the role of this variant in disease conclusively. Therefore, this variant is classified as a Variant of Uncertain Significance.

All of Us Research Program, National Institutes of Health
Classification: Uncertain significance for Familial thoracic aortic aneurysm and aortic dissection. Last evaluated: 2023-08-15. Review status: criteria provided, single submitter. Criteria: ACMG Guidelines, 2015. Collection method: clinical testing. Allele origin: germline. Inheritance: Autosomal dominant inheritance. Observed: 2 variant alleles, 2 heterozygotes.
Comment: This missense variant replaces aspartic acid with alanine at codon 517 of the MYH11 protein. Computational prediction tools and conservation analyses are inconclusive regarding the impact of this variant on protein structure and function. Splice site prediction tools suggest that this variant may not impact RNA splicing. To our knowledge, functional studies have not been performed for this variant. This variant has not been reported in individuals affected with cardiovascular disorders in the literature. This variant has been identified in 1/251450 chromosomes in the general population by the Genome Aggregation Database (gnomAD). The available evidence is insufficient to determine the role of this variant in disease conclusively. Therefore, this variant is classified as a Variant of Uncertain Significance.

This study involves interpretation of variants in research participants for the purpose of population health screening. Participant phenotype was not available at the time of variant classification. Additional details can be found in publication PMID: 35346344, PMCID: PMC8962531

Ambry Genetics
Classification: Uncertain significance for Familial thoracic aortic aneurysm and aortic dissection. Last evaluated: 2023-05-28. Review status: criteria provided, single submitter. Criteria: Ambry Variant Classification Scheme 2023. Collection method: clinical testing. Allele origin: germline.
Comment: The p.D510A variant (also known as c.1529A>C), located in coding exon 12 of the MYH11 gene, results from an A to C substitution at nucleotide position 1529. The aspartic acid at codon 510 is replaced by alanine, an amino acid with dissimilar properties. This amino acid position is conserved. In addition, this alteration is predicted to be deleterious by in silico analysis. Since supporting evidence is limited at this time, the clinical significance of this alteration remains unclear.

NM_002474.3(MYH11):c.1529A>C (p.Asp510Ala)

Gene: MYH11 (myosin heavy chain 11; minus strand). Cytogenetic location: 16p13.11.
Variant type: single nucleotide variant.
Coding change: c.1529A>C on transcript NM_002474.3 (MANE Select); coding-DNA position 1529, A replaced by C.
Protein change: p.Asp510Ala; replaces aspartic acid 510 with alanine.
Molecular consequence: missense variant.
Genome position (GRCh38, 1-based): chr16:15,757,873, T>G on the plus strand (A>C on the coding strand, the complement: MYH11 is on the minus strand). VCF-style: chr16-15757873-T-G. GRCh37 (hg19) VCF-style: chr16-15851730-T-G.
Other names: c.1550A>C, p.Asp517Ala (NM_001040113.2, NM_001040114.2); c.1529A>C, p.Asp510Ala (NM_022844.3); c.1529A>C (NM_002474.2); short protein forms D517A, D510A.
Identifiers: ClinVar variation 922385 (VCV000922385.8), dbSNP rs1443735566, ClinGen allele CA394870820.